The following is an entry in ClinVar:

NM_000321.3(RB1):c.2326-1del

Gene: RB1 (RB transcriptional corepressor 1; plus strand). Cytogenetic location: 13q14.2.
Variant type: Deletion.
Coding change: c.2326-1del on transcript NM_000321.3 (MANE Select); the canonical splice acceptor site of the intron before coding-DNA position 2326, one base deleted (G; older notation c.2326-1delG).
Molecular consequence: splice acceptor variant.
Genome position (GRCh38, 1-based): chr13:48,465,204, G deleted. VCF-style (leftmost placement, unchanged base first): chr13-48465203-AG-A. GRCh37 (hg19) VCF-style: chr13-49039339-AG-A.
Other names: c.2326-1del (NM_001407165.1).
Identifiers: ClinVar variation 1800591 (VCV001800591.2), dbSNP rs2542375629, ClinGen allele CA2575413792.
Genomic context (GRCh38, chr13:48,465,203, plus strand): 5'-TCTAATGTAATGGGTCCACCAAAACATTAAATAAATAATCTACTTTTTTGTTTTTGCTCT[AG>A]CCCCCTACCTTGTCACCAATACCTCACATTCCTCGAAGCCCTTACAAGTTTCCTAGTTCA-3'

ClinVar aggregate classification (germline): Pathogenic. Review status: criteria provided, multiple submitters, no conflicts (2 of 4 stars). 2 submissions from 2 submitters: Pathogenic (2). Last evaluated 2024-05-20.

Conditions:
Retinoblastoma (RB1). Also called: RETINOBLASTOMA, SOMATIC. Identifiers: Orphanet 790, MedGen C0035335, MeSH D012175, MONDO:0008380, OMIM 180200, HP:0009919. Disease mechanism: loss of function. Inheritance: Both sporadic and heritable forms are tested..

Submissions (2):

Genetic Diagnostic Laboratory, University of Pennsylvania School of Medicine
Classification: Pathogenic for Retinoblastoma. Last evaluated: 2024-05-20. Review status: criteria provided, single submitter. Criteria: ACMG Guidelines, 2015. Collection method: clinical testing. Allele origin: germline. Affected: yes. Observed: 1 variant allele.
Comment: Case and Pedigree Information: BILATERAL CASES:1, UNILATERAL CASES:0, TOTAL CASES:1, PEDIGREES:1. ACMG Codes Applied:PVS1, PM2

GeneDx
Classification: Pathogenic. Last evaluated: 2022-05-27. Review status: criteria provided, single submitter. Criteria: GeneDx Variant Classification Process June 2021. Collection method: clinical testing. Allele origin: germline. Affected: yes.
Comment: Canonical splice site variant predicted to result in a null allele in a gene for which loss of function is a known mechanism of disease; Not observed at significant frequency in large population cohorts (gnomAD); Also reported as 2464-1delG; This variant is associated with the following publications: (PMID: 12541220)